The following is an entry in ClinVar:

NM_004098.4(EMX2):c.524A>C (p.Lys175Thr)

Gene: EMX2 (empty spiracles homeobox 2; plus strand). Cytogenetic location: 10q26.11.
Variant type: single nucleotide variant.
Coding change: c.524A>C on transcript NM_004098.4 (MANE Select); coding-DNA position 524, A replaced by C.
Protein change: p.Lys175Thr; replaces lysine 175 with threonine.
Molecular consequence: missense variant. On other transcripts: intron variant (1).
Genome position (GRCh38, 1-based): chr10:117,545,749, A>C. VCF-style: chr10-117545749-A-C. GRCh37 (hg19) VCF-style: chr10-119305260-A-C.
Other names: c.406+2076A>C (NM_001165924.2); short protein forms K175T.
Identifiers: ClinVar variation 3896711 (VCV003896711.1).
Genomic context (GRCh38, chr10:117,545,749, plus strand): 5'-AGCGGATCCGAACCGCCTTCTCCCCGTCCCAGCTTCTAAGGCTGGAACACGCCTTTGAGA[A>C]GAATCACTACGTGGTGGGCGCCGAAAGGAAGCAGCTGGCACACAGCCTCAGCCTCACGGA-3'
Protein context (NP_004089.1, residues 165-185): QLLRLEHAFE[Lys175Thr]NHYVVGAERK

ClinVar aggregate classification (germline): Likely benign (1 of 4 stars; one submission).

Conditions:
Congenital hypogonadotropic hypogonadism. Identifiers: Orphanet 174590, MedGen C3899503, MONDO:0015770.

gnomAD v4.1: 9 of 1,614,044 alleles (0.00056%); highest among the groups gnomAD compares: African/African-American, 0.0013%; no homozygotes.

Submission:

Reproductive Endocrine Unit, Massachusetts General Hospital
Classification: Likely benign for Congenital hypogonadotropic hypogonadism. Last evaluated: 2025-05-01. Review status: criteria provided, single submitter. Criteria: ACMG Guidelines, 2015. Collection method: research. Allele origin: unknown. Affected: yes.
Comment: Lys175Thr meets the BS4 & BP4 ACMG criteria. In summary, the Lys175Thr is classified as likely benign based upon the information we were able to obtain.